The following is an entry in ClinVar:

ClinVar aggregate classification (germline): Benign/Likely benign. Review status: criteria provided, multiple submitters, no conflicts (2 of 4 stars). 4 submissions from 4 submitters: Benign (1); Likely benign (2). 1 of the submissions does not count toward it. Last evaluated 2026-01-22.

Conditions:
C8B-related disorder. Also called: C8B-related condition.

Allele frequency attached by ClinVar (database versions not stated): gnomAD exomes 0.00007 and 0.00021; 1000 Genomes Project 30x 0.00016; 1000 Genomes Project 0.00020; ExAC 0.00021; ESP Exome Variant Server 0.00046; gnomAD 0.00078 and 0.00085; TOPMed 0.00083.
gnomAD v4.1: 219 of 1,614,186 alleles (0.014%); highest among the groups gnomAD compares: African/African-American, 0.25%; no homozygotes.

Submissions (4):

Women's Health and Genetics/Laboratory Corporation of America, LabCorp
Classification: Likely benign. Last evaluated: 2026-01-22. Review status: criteria provided, single submitter. Criteria: LabCorp Variant Classification Summary - May 2015. Collection method: clinical testing. Allele origin: germline.

Labcorp Genetics (formerly Invitae), Labcorp
Classification: Benign. Last evaluated: 2025-10-11. Review status: criteria provided, single submitter. Criteria: Invitae Variant Classification Sherloc (09022015). Collection method: clinical testing. Allele origin: germline.

Blueprint Genetics
Classification: Likely benign. Last evaluated: 2022-11-07. Review status: criteria provided, single submitter. Criteria: ACMG Guidelines, 2015. Collection method: clinical testing. Allele origin: germline.

PreventionGenetics, part of Exact Sciences
Classification: Likely benign for C8B-related condition. Last evaluated: 2019-05-01. Review status: no assertion criteria provided. Collection method: clinical testing. Allele origin: germline. Not counted in ClinVar's aggregate classification.
Comment: This variant is classified as likely benign based on ACMG/AMP sequence variant interpretation guidelines (Richards et al. 2015 PMID: 25741868, with internal and published modifications).

NM_000066.4(C8B):c.585T>C (p.Tyr195=)

Gene: C8B (complement C8 beta chain; minus strand). Cytogenetic location: 1p32.2.
Variant type: single nucleotide variant.
Coding change: c.585T>C on transcript NM_000066.4 (MANE Select); coding-DNA position 585, T replaced by C.
Protein change: p.Tyr195=; no amino-acid change (tyrosine 195 retained).
Molecular consequence: synonymous variant.
Genome position (GRCh38, 1-based): chr1:56,952,129, A>G on the plus strand (T>C on the coding strand, the complement: C8B is on the minus strand). VCF-style: chr1-56952129-A-G. GRCh37 (hg19) VCF-style: chr1-57417802-A-G.
Other names: c.429T>C, p.Tyr143= (NM_001278543.2); c.399T>C, p.Tyr133= (NM_001278544.2); c.585T>C (NM_000066.3).
Identifiers: ClinVar variation 1660205 (VCV001660205.12), dbSNP rs143870427, ClinGen allele CA875924.